The following is an entry in ClinVar:

ClinVar aggregate classification (germline): Uncertain significance (1 of 4 stars; one submission).

Conditions:
Progressive myoclonic epilepsy type 8. Identifiers: Orphanet 424027, MedGen C5190825, MONDO:0014545, OMIM 616230.

Submission:

Labcorp Genetics (formerly Invitae), Labcorp
Classification: Uncertain significance for Progressive myoclonic epilepsy type 8. Last evaluated: 2022-08-08. Review status: criteria provided, single submitter. Criteria: Invitae Variant Classification Sherloc (09022015). Collection method: clinical testing. Allele origin: germline.
Comment: This sequence change replaces alanine, which is neutral and non-polar, with serine, which is neutral and polar, at codon 50 of the CERS1 protein (p.Ala50Ser). In summary, the available evidence is currently insufficient to determine the role of this variant in disease. Therefore, it has been classified as a Variant of Uncertain Significance. Algorithms developed to predict the effect of missense changes on protein structure and function (SIFT, PolyPhen-2, Align-GVGD) all suggest that this variant is likely to be tolerated. This variant has not been reported in the literature in individuals affected with CERS1-related conditions. This variant is not present in population databases (gnomAD no frequency).

NM_021267.5(CERS1):c.148G>T (p.Ala50Ser)

Genes: CERS1 (ceramide synthase 1; minus strand), GDF1 (growth differentiation factor 1; minus strand). Cytogenetic location: 19p13.11.
Variant type: single nucleotide variant.
Coding change: c.148G>T on transcript NM_021267.5 (MANE Select); coding-DNA position 148, G replaced by T.
Protein change: p.Ala50Ser; replaces alanine 50 with serine.
Molecular consequence: missense variant. On other transcripts: 5 prime UTR variant (4), intron variant (3).
Genome position (GRCh38, 1-based): chr19:18,895,925, C>A on the plus strand (G>T on the coding strand, the complement: CERS1 is on the minus strand). VCF-style: chr19-18895925-C-A. GRCh37 (hg19) VCF-style: chr19-19006734-C-A.
Other names: c.148G>T, p.Ala50Ser (NM_001387439.1, NM_001387440.1, NM_001387441.1 and 1 more transcripts); c.-381G>T (NM_001387444.1); c.-328G>T (NM_001387445.1); c.-755G>T (NM_001387438.1); c.-1175G>T (NM_001492.6); c.-46+801G>T (NM_001387443.1); c.-46+636G>T (NM_001387442.1, NM_001290265.2); short protein forms A50S.
Identifiers: ClinVar variation 2022792 (VCV002022792.4), dbSNP rs948253146, ClinGen allele CA404868499.
Genomic context (GRCh38, chr19:18,895,925, plus strand): 5'-AGCCCAGCGCGCCGAGCGCCAGCAGCAGCAGCTCGGGCGGCGCCAGGTGCGCGTGCTCAG[C>A]CAGGCCGCGACGCGCCAGCCCCCAGCCGCAGTCCGTGCAGCCCCGCGCCGCCGCCAGCGC-3'
Protein context (NP_067090.1, residues 40-60): CGWGLARRGL[Ala50Ser]EHAHLAPPEL